The following is an entry in ClinVar:

NM_000051.4(ATM):c.5871T>G (p.Tyr1957Ter)

Genes: ATM (ATM serine/threonine kinase; plus strand), C11orf65 (chromosome 11 open reading frame 65; minus strand). Cytogenetic location: 11q22.3.
Variant type: single nucleotide variant.
Coding change: c.5871T>G on transcript NM_000051.4 (MANE Select); coding-DNA position 5871, T replaced by G.
Protein change: p.Tyr1957Ter; replaces tyrosine 1957 with a stop codon.
Molecular consequence: nonsense. On other transcripts: intron variant (2).
Genome position (GRCh38, 1-based): chr11:108,310,268, T>G. VCF-style: chr11-108310268-T-G. GRCh37 (hg19) VCF-style: chr11-108180995-T-G.
Other names: c.5871T>G, p.Tyr1957Ter (NM_001351834.2); c.641-1197A>C (NM_001330368.2); c.*39-1197A>C (NM_001351110.2); short protein forms Y1957*.
Identifiers: ClinVar variation 1750203 (VCV001750203.2), dbSNP rs2136017191, ClinGen allele CA382548504.

ClinVar aggregate classification (germline): Pathogenic (1 of 4 stars; one submission).

Conditions:
Hereditary cancer-predisposing syndrome. Also called: Hereditary neoplastic syndrome; Neoplastic Syndromes, Hereditary; Tumor predisposition; Hereditary Cancer Syndrome. Identifiers: Orphanet 140162, MedGen C0027672, MeSH D009386, MONDO:0015356.

Submission:

Ambry Genetics
Classification: Pathogenic for Hereditary cancer-predisposing syndrome. Last evaluated: 2020-07-17. Review status: criteria provided, single submitter. Criteria: Ambry Variant Classification Scheme 2023. Collection method: clinical testing. Allele origin: germline.
Comment: The p.Y1957* pathogenic mutation (also known as c.5871T>G), located in coding exon 38 of the ATM gene, results from a T to G substitution at nucleotide position 5871. This changes the amino acid from a tyrosine to a stop codon within coding exon 38. This alteration is expected to result in loss of function by premature protein truncation or nonsense-mediated mRNA decay. As such, this alteration is interpreted as a disease-causing mutation.